The following is an entry in ClinVar:

ClinVar aggregate classification (germline): Uncertain significance (1 of 4 stars; one submission).

Conditions:
Familial focal epilepsy with variable foci (FPEVF). Identifiers: Orphanet 98820, MedGen C1858477, MONDO:0020310.

Allele frequency attached by ClinVar (database versions not stated): gnomAD 0.00001; gnomAD exomes 0.00001; TOPMed 0.00002; ESP Exome Variant Server 0.00008.
gnomAD v4.1: 15 of 1,613,448 alleles (0.00093%); highest among the groups gnomAD compares: African/African-American, 0.0013%; no homozygotes.

Submission:

Labcorp Genetics (formerly Invitae), Labcorp
Classification: Uncertain significance for Familial focal epilepsy with variable foci. Last evaluated: 2025-02-24. Review status: criteria provided, single submitter. Criteria: Invitae Variant Classification Sherloc (09022015). Collection method: clinical testing. Allele origin: germline.
Comment: This sequence change replaces threonine, which is neutral and polar, with alanine, which is neutral and non-polar, at codon 167 of the DEPDC5 protein (p.Thr167Ala). This variant is present in population databases (rs374309503, gnomAD 0.006%). This variant has not been reported in the literature in individuals affected with DEPDC5-related conditions. ClinVar contains an entry for this variant (Variation ID: 534793). Experimental studies and prediction algorithms are not available or were not evaluated, and the functional significance of this variant is currently unknown. In summary, the available evidence is currently insufficient to determine the role of this variant in disease. Therefore, it has been classified as a Variant of Uncertain Significance.

NM_001242896.3(DEPDC5):c.499A>G (p.Thr167Ala)

Gene: DEPDC5 (DEP domain containing 5, GATOR1 subcomplex subunit; plus strand). Cytogenetic location: 22q12.2.
Variant type: single nucleotide variant.
Coding change: c.499A>G on transcript NM_001242896.3 (MANE Select); coding-DNA position 499, A replaced by G.
Protein change: p.Thr167Ala; replaces threonine 167 with alanine.
Molecular consequence: missense variant. On other transcripts: non-coding transcript variant (5).
Genome position (GRCh38, 1-based): chr22:31,783,922, A>G. VCF-style: chr22-31783922-A-G. GRCh37 (hg19) VCF-style: chr22-32179908-A-G.
Other names: c.499A>G, p.Thr167Ala (NM_001007188.4, NM_001136029.4, NM_001242897.2 and 7 more transcripts); c.415A>G, p.Thr139Ala (NM_001369901.1, NM_001369902.1); short protein forms T167A, T139A.
Identifiers: ClinVar variation 534793 (VCV000534793.10), dbSNP rs374309503, ClinGen allele CA323339803.